The following is an entry in ClinVar:

NM_016492.5(RANGRF):c.301G>A (p.Glu101Lys)

Genes: RANGRF (RAN guanine nucleotide release factor; plus strand), SLC25A35 (solute carrier family 25 member 35; minus strand), LOC130060243 (ATAC-STARR-seq lymphoblastoid active region 11694; plus strand). Cytogenetic location: 17p13.1.
Variant type: single nucleotide variant.
Coding change: c.301G>A on transcript NM_016492.5 (MANE Select); coding-DNA position 301, G replaced by A.
Protein change: p.Glu101Lys; replaces glutamic acid 101 with lysine.
Molecular consequence: missense variant. On other transcripts: 3 prime UTR variant (2), non-coding transcript variant (2), intron variant (1).
Genome position (GRCh38, 1-based): chr17:8,289,364, G>A. VCF-style: chr17-8289364-G-A. GRCh37 (hg19) VCF-style: chr17-8192682-G-A.
Other names: c.301G>A, p.Glu101Lys (NM_001177801.2, NM_001177802.2, NM_001330127.2); c.*119C>T (NM_001320872.2); c.*252C>T (NM_201520.3); c.*42+210C>T (NM_001320871.2); short protein forms E101K.
Identifiers: ClinVar variation 2977878 (VCV002977878.3), dbSNP rs2543868608, ClinGen allele CA397995082.
Genomic context (GRCh38, chr17:8,289,364, plus strand): 5'-CATGTGGAGTCTGTTCAGCCTCTCAGTTTGGAGAACCTGGCCCTGAGGGGCCGCTGTCAA[G>A]AAGCCTGGGTCCTCTCTGGCAAGCAGCAGATAGCTAAGGAAAACCAGCAGGTGAGGGCCC-3'
Protein context (NP_057576.2, residues 91-111): ENLALRGRCQ[Glu101Lys]AWVLSGKQQI

ClinVar aggregate classification (germline): Uncertain significance (1 of 4 stars; one submission).

Conditions:
Cardiac arrhythmia. Also called: Cardiac rhythm disease; Arrhythmia. Identifiers: MedGen C0003811, MONDO:0007263, HP:0011675.

Allele frequency attached by ClinVar (database versions not stated): gnomAD exomes below 0.00001.
gnomAD v4.1: 3 of 1,614,170 alleles (0.00019%); highest among the groups gnomAD compares: Admixed American, 0.0033%; no homozygotes.

Submission:

Labcorp Genetics (formerly Invitae), Labcorp
Classification: Uncertain significance for Cardiac arrhythmia. Last evaluated: 2024-03-25. Review status: criteria provided, single submitter. Criteria: Invitae Variant Classification Sherloc (09022015). Collection method: clinical testing. Allele origin: germline.
Comment: This sequence change replaces glutamic acid, which is acidic and polar, with lysine, which is basic and polar, at codon 101 of the RANGRF protein (p.Glu101Lys). This variant is not present in population databases (gnomAD no frequency). This variant has not been reported in the literature in individuals affected with RANGRF-related conditions. An algorithm developed to predict the effect of missense changes on protein structure and function (PolyPhen-2) suggests that this variant is likely to be tolerated. In summary, the available evidence is currently insufficient to determine the role of this variant in disease. Therefore, it has been classified as a Variant of Uncertain Significance.